The following is an entry in ClinVar:

NM_006946.4(SPTBN2):c.6798G>A (p.Ala2266=)

Gene: SPTBN2 (spectrin beta, non-erythrocytic 2; minus strand). Cytogenetic location: 11q13.2.
Variant type: single nucleotide variant.
Coding change: c.6798G>A on transcript NM_006946.4 (MANE Select); coding-DNA position 6798, G replaced by A.
Protein change: p.Ala2266=; no amino-acid change (alanine 2266 retained).
Molecular consequence: synonymous variant.
Genome position (GRCh38, 1-based): chr11:66,687,092, C>T on the plus strand (G>A on the coding strand, the complement: SPTBN2 is on the minus strand). VCF-style: chr11-66687092-C-T. GRCh37 (hg19) VCF-style: chr11-66454563-C-T.
Identifiers: ClinVar variation 448524 (VCV000448524.38), dbSNP rs140748364, ClinGen allele CA6127785.

ClinVar aggregate classification (germline): Benign/Likely benign. Review status: criteria provided, multiple submitters, no conflicts (2 of 4 stars). 5 submissions from 5 submitters: Benign (1); Likely benign (4). Last evaluated 2025-12-05.

Conditions:
SPTBN2-related disorder. Also called: SPTBN2-related condition.

Allele frequency attached by ClinVar (database versions not stated): gnomAD 0.00016; ESP Exome Variant Server 0.00023; TOPMed 0.00029.
gnomAD v4.1: 434 of 1,614,036 alleles (0.027%); highest among the groups gnomAD compares: Non-Finnish European, 0.033%; no homozygotes.

Submissions (5):

Labcorp Genetics (formerly Invitae), Labcorp
Classification: Likely benign. Last evaluated: 2025-12-05. Review status: criteria provided, single submitter. Criteria: Invitae Variant Classification Sherloc (09022015). Collection method: clinical testing. Allele origin: germline.

PreventionGenetics, part of Exact Sciences
Classification: Likely benign for SPTBN2-related condition. Last evaluated: 2025-02-11. Review status: criteria provided, single submitter. Criteria: ACMG Guidelines, 2015. Collection method: clinical testing. Allele origin: germline.
Comment: This variant is classified as likely benign based on ACMG/AMP sequence variant interpretation guidelines (Richards et al. 2015 PMID: 25741868, with internal and published modifications).

Blueprint Genetics
Classification: Likely benign. Last evaluated: 2024-11-22. Review status: criteria provided, single submitter. Criteria: ACMG Guidelines, 2015. Collection method: clinical testing. Allele origin: germline.

CeGaT Center for Human Genetics Tuebingen
Classification: Likely benign. Last evaluated: 2023-01-01. Review status: criteria provided, single submitter. Criteria: CeGaT Center For Human Genetics Tuebingen Variant Classification Criteria Version 2. Collection method: clinical testing. Allele origin: germline. Affected: yes. Observed: 1 variant allele.
Comment: SPTBN2: BP4, BP7

Athena Diagnostics
Classification: Benign. Last evaluated: 2017-02-13. Review status: criteria provided, single submitter. Criteria: Athena Diagnostics Criteria. Collection method: clinical testing. Allele origin: germline.